The following is an entry in ClinVar:

ClinVar aggregate classification (germline): Uncertain significance (1 of 4 stars; one submission).

Allele frequency attached by ClinVar (database versions not stated): gnomAD 0.00002; TOPMed 0.00002; gnomAD exomes 0.00003 and 0.00004; ExAC 0.00004; ESP Exome Variant Server 0.00008; 1000 Genomes Project 30x 0.00016; 1000 Genomes Project 0.00020.
gnomAD v4.1: 62 of 1,548,338 alleles (0.004%); highest among the groups gnomAD compares: South Asian, 0.0051%; no homozygotes.

Submission:

Labcorp Genetics (formerly Invitae), Labcorp
Classification: Uncertain significance. Last evaluated: 2022-05-19. Review status: criteria provided, single submitter. Criteria: Invitae Variant Classification Sherloc (09022015). Collection method: clinical testing. Allele origin: germline.
Comment: This sequence change replaces aspartic acid, which is acidic and polar, with asparagine, which is neutral and polar, at codon 270 of the TRAF3IP1 protein (p.Asp270Asn). This variant is present in population databases (rs375427551, gnomAD 0.007%). This variant has not been reported in the literature in individuals affected with TRAF3IP1-related conditions. Algorithms developed to predict the effect of missense changes on protein structure and function (SIFT, PolyPhen-2, Align-GVGD) all suggest that this variant is likely to be tolerated. In summary, the available evidence is currently insufficient to determine the role of this variant in disease. Therefore, it has been classified as a Variant of Uncertain Significance.

NM_015650.4(TRAF3IP1):c.808G>A (p.Asp270Asn)

Gene: TRAF3IP1 (TRAF3 interacting protein 1; plus strand). Cytogenetic location: 2q37.3.
Variant type: single nucleotide variant.
Coding change: c.808G>A on transcript NM_015650.4 (MANE Select); coding-DNA position 808, G replaced by A.
Protein change: p.Asp270Asn; replaces aspartic acid 270 with asparagine.
Molecular consequence: missense variant.
Genome position (GRCh38, 1-based): chr2:238,329,235, G>A. VCF-style: chr2-238329235-G-A. GRCh37 (hg19) VCF-style: chr2-239237876-G-A.
Other names: c.808G>A, p.Asp270Asn (NM_001139490.1); short protein forms D270N.
Identifiers: ClinVar variation 1470598 (VCV001470598.3), dbSNP rs375427551, ClinGen allele CA2198150.